The following is an entry in ClinVar:

ClinVar aggregate classification (germline): Uncertain significance. Review status: criteria provided, multiple submitters, no conflicts (2 of 4 stars). 2 submissions from 2 submitters: Uncertain significance (2). Last evaluated 2025-03-04.

Allele frequency attached by ClinVar (database versions not stated): gnomAD exomes below 0.00001.
gnomAD v4.1: 2 of 1,612,156 alleles (0.00012%); highest among the groups gnomAD compares: Middle Eastern, 0.033%; no homozygotes.

Submissions (2):

GeneDx
Classification: Uncertain significance. Last evaluated: 2025-03-04. Review status: criteria provided, single submitter. Criteria: GeneDx Variant Classification Process June 2021. Collection method: clinical testing. Allele origin: germline. Affected: yes.
Comment: Not observed at significant frequency in large population cohorts (gnomAD); Missense variant in a gene in which most reported pathogenic variants are truncating/loss of function; Has not been previously published as pathogenic or benign to our knowledge

Eurofins Ntd Llc (ga)
Classification: Uncertain significance. Last evaluated: 2017-06-06. Review status: criteria provided, single submitter. Criteria: EGL Classification Definitions 2015. Collection method: clinical testing. Allele origin: germline. Observed: 1 variant allele, 1 heterozygote.

NM_001267550.2(TTN):c.45056G>T (p.Arg15019Ile)

Genes: TTN (titin; minus strand), LOC126806427 (BRD4-independent group 4 enhancer GRCh37_chr2:179485777-179486976; plus strand). Cytogenetic location: 2q31.2.
Variant type: single nucleotide variant.
Coding change: c.45056G>T on transcript NM_001267550.2 (MANE Select); coding-DNA position 45056, G replaced by T.
Protein change: p.Arg15019Ile; replaces arginine 15019 with isoleucine.
Molecular consequence: missense variant.
Genome position (GRCh38, 1-based): chr2:178,621,866, C>A on the plus strand (G>T on the coding strand, the complement: TTN is on the minus strand). VCF-style: chr2-178621866-C-A. GRCh37 (hg19) VCF-style: chr2-179486593-C-A.
Other names: c.40133G>T, p.Arg13378Ile (NM_001256850.1); c.17861G>T, p.Arg5954Ile (NM_003319.4); c.37352G>T, p.Arg12451Ile (NM_133378.4); c.18236G>T, p.Arg6079Ile (NM_133432.3); c.18437G>T, p.Arg6146Ile (NM_133437.4); c.45056G>T (NM_001267550.1); short protein forms R12451I, R15019I, R13378I, R5954I, R6079I, R6146I.
Identifiers: ClinVar variation 502394 (VCV000502394.6), dbSNP rs1553719573, ClinGen allele CA349637584.